The following is an entry in ClinVar:

NM_002439.5(MSH3):c.3352G>C (p.Asp1118His)

Gene: MSH3 (mutS homolog 3; plus strand). Cytogenetic location: 5q14.1.
Variant type: single nucleotide variant.
Coding change: c.3352G>C on transcript NM_002439.5 (MANE Select); coding-DNA position 3352, G replaced by C.
Protein change: p.Asp1118His; replaces aspartic acid 1118 with histidine.
Molecular consequence: missense variant.
Genome position (GRCh38, 1-based): chr5:80,875,800, G>C. VCF-style: chr5-80875800-G-C. GRCh37 (hg19) VCF-style: chr5-80171619-G-C.
Other names: short protein forms D1118H.
Identifiers: ClinVar variation 3913625 (VCV003913625.1).
Genomic context (GRCh38, chr5:80,875,800, plus strand): 5'-TTTTTCCCCAGAAAGAGACTCAAGTATTTTGCAAAGTTATGGACGATGCATAATGCACAA[G>C]ACCTGCAGAAGTGGACAGAGGAGTTCAACATGGAAGAAACACAGACTTCTCTTCTTCATT-3'
Protein context (NP_002430.3, residues 1108-1128): AKLWTMHNAQ[Asp1118His]LQKWTEEFNM

ClinVar aggregate classification (germline): Uncertain significance (1 of 4 stars; one submission).

Conditions:
Hereditary cancer-predisposing syndrome. Also called: Hereditary Cancer Syndrome; Hereditary neoplastic syndrome; Neoplastic Syndromes, Hereditary; Tumor predisposition. Identifiers: Orphanet 140162, MedGen C0027672, MeSH D009386, MONDO:0015356.

Submission:

Ambry Genetics
Classification: Uncertain significance for Hereditary cancer-predisposing syndrome. Last evaluated: 2025-04-11. Review status: criteria provided, single submitter. Criteria: Ambry Variant Classification Scheme 2023. Collection method: clinical testing. Allele origin: germline.
Comment: The p.D1118H variant (also known as c.3352G>C), located in coding exon 24 of the MSH3 gene, results from a G to C substitution at nucleotide position 3352. The aspartic acid at codon 1118 is replaced by histidine, an amino acid with similar properties. This amino acid position is conserved. In addition, the in silico prediction for this alteration is inconclusive. Based on the available evidence, the clinical significance of this variant remains unclear.